The following is an entry in ClinVar:

ClinVar aggregate classification (germline): Uncertain significance (1 of 4 stars; one submission).

Submission:

Labcorp Genetics (formerly Invitae), Labcorp
Classification: Uncertain significance. Last evaluated: 2025-07-23. Review status: criteria provided, single submitter. Criteria: Invitae Variant Classification Sherloc (09022015). Collection method: clinical testing. Allele origin: germline.
Comment: This sequence change replaces alanine, which is neutral and non-polar, with serine, which is neutral and polar, at codon 701 of the MECOM protein (p.Ala701Ser). This variant is present in population databases (no rsID available, gnomAD 0.006%). This variant has not been reported in the literature in individuals affected with MECOM-related conditions. ClinVar contains an entry for this variant (Variation ID: 2175625). An algorithm developed to predict the effect of missense changes on protein structure and function (PolyPhen-2) suggests that this variant is likely to be tolerated. In summary, the available evidence is currently insufficient to determine the role of this variant in disease. Therefore, it has been classified as a Variant of Uncertain Significance.

NM_004991.4(MECOM):c.2665_2666delinsAG (p.Ala889Ser)

Gene: MECOM (MDS1 and EVI1 complex locus; minus strand). Cytogenetic location: 3q26.2.
Variant type: Indel.
Coding change: c.2665_2666delinsAG on transcript NM_004991.4 (MANE Select); coding-DNA positions 2665 to 2666, GC replaced by AG.
Protein change: p.Ala889Ser; replaces alanine 889 with serine.
Molecular consequence: missense variant.
Genome position (GRCh38, 1-based): chr3:169,102,165-169,102,166, GC replaced by CT on the plus strand (GC replaced by AG on the coding strand, the reverse complement: MECOM is on the minus strand). VCF-style: chr3-169102165-GC-CT. GRCh37 (hg19) VCF-style: chr3-168819953-GC-CT.
Other names: c.2296_2297delinsAG, p.Ala766Ser (NM_001105077.4); c.2101_2102delinsAG, p.Ala701Ser (NM_001105078.4, NM_001205194.2, NM_001366469.2 and 1 more transcripts); c.2077_2078delinsAG, p.Ala693Ser (NM_001163999.2, NM_001366470.2); c.2074_2075delinsAG, p.Ala692Ser (NM_001164000.2, NM_001366471.2, NM_001366472.2); c.2638_2639delinsAG, p.Ala880Ser (NM_001366466.2); c.2104_2105delinsAG, p.Ala702Ser (NM_001366467.2, NM_001366468.2); c.1666_1667delinsAG, p.Ala556Ser (NM_001366473.2); c.1102_1103delinsAG, p.Ala368Ser (NM_001366474.2); short protein forms A693S, A880S, A556S, A692S, A701S, A766S, A889S, A368S.
Identifiers: ClinVar variation 2175625 (VCV002175625.4), dbSNP rs2549283923, ClinGen allele CA2580069055.